The following is an entry in ClinVar:

ClinVar aggregate classification (germline): Pathogenic (0 of 4 stars; one submission).

Conditions:
Adenoid cystic carcinoma. Also called: Adenocystic carcinoma. Identifiers: MedGen C0010606, MeSH D003528, MONDO:0004971.

Submission:

Genome Sciences Centre, British Columbia Cancer Agency
Classification: Pathogenic for Adenoid cystic carcinoma. Last evaluated: 2018-02-01. Review status: no assertion criteria provided. Collection method: research. Allele origin: somatic. Inheritance: Somatic mutation. Affected: yes. Observed: 1 variant allele.
Comment: Gene fusion known to be causative in this disease type.

t(6;9)(q23.3;p22.3)

Genes: MYB (MYB proto-oncogene, transcription factor; plus strand), NFIB (nuclear factor I B; minus strand). Cytogenetic location: 6q23.3.
Variant type: Translocation.
Identifiers: ClinVar variation 495140 (VCV000495140.1).